The following is an entry in ClinVar:

ClinVar aggregate classification (germline): Uncertain significance. Review status: criteria provided, multiple submitters, no conflicts (2 of 4 stars). 2 submissions from 2 submitters: Uncertain significance (2). Last evaluated 2024-11-26.

Conditions:
Encephalopathy, acute, infection-induced (herpes-specific), susceptibility to, 1. Also called: Herpes simplex encephalitis, susceptibility to, 1. Identifiers: Orphanet 1930, MedGen C2750180, MONDO:0024563, OMIM 610551.

Allele frequency attached by ClinVar (database versions not stated): gnomAD 0.00001; gnomAD exomes 0.00001; TOPMed 0.00002.

Submissions (2):

Ambry Genetics
Classification: Uncertain significance. Last evaluated: 2024-11-26. Review status: criteria provided, single submitter. Criteria: Ambry Variant Classification Scheme 2023. Collection method: clinical testing. Allele origin: germline.

Labcorp Genetics (formerly Invitae), Labcorp
Classification: Uncertain significance for Encephalopathy, acute, infection-induced (herpes-specific), susceptibility to, 1. Last evaluated: 2024-08-16. Review status: criteria provided, single submitter. Criteria: Invitae Variant Classification Sherloc (09022015). Collection method: clinical testing. Allele origin: germline.
Comment: This sequence change replaces asparagine, which is neutral and polar, with threonine, which is neutral and polar, at codon 616 of the TLR3 protein (p.Asn616Thr). This variant is present in population databases (no rsID available, gnomAD 0.002%). This variant has not been reported in the literature in individuals affected with TLR3-related conditions. ClinVar contains an entry for this variant (Variation ID: 2154568). An algorithm developed to predict the effect of missense changes on protein structure and function (PolyPhen-2) suggests that this variant is likely to be tolerated. In summary, the available evidence is currently insufficient to determine the role of this variant in disease. Therefore, it has been classified as a Variant of Uncertain Significance.

NM_003265.3(TLR3):c.1847A>C (p.Asn616Thr)

Gene: TLR3 (toll like receptor 3; plus strand). Cytogenetic location: 4q35.1.
Variant type: single nucleotide variant.
Coding change: c.1847A>C on transcript NM_003265.3 (MANE Select); coding-DNA position 1847, A replaced by C.
Protein change: p.Asn616Thr; replaces asparagine 616 with threonine.
Molecular consequence: missense variant.
Genome position (GRCh38, 1-based): chr4:186,083,533, A>C. VCF-style: chr4-186083533-A-C. GRCh37 (hg19) VCF-style: chr4-187004687-A-C.
Other names: short protein forms N616T.
Identifiers: ClinVar variation 2154568 (VCV002154568.5), dbSNP rs1340518020, ClinGen allele CA358934373.